The following is an entry in ClinVar:

ClinVar aggregate classification (germline): Conflicting classifications of pathogenicity. Review status: criteria provided, conflicting classifications (1 of 4 stars). 5 submissions from 5 submitters: Uncertain significance (1); Benign (1); Likely benign (2). 1 of the submissions does not count toward it. Last evaluated 2025-12-24.

Conditions:
SPTB-related disorder. Also called: SPTB-Related Disorders; SPTB-related condition.

Allele frequency attached by ClinVar (database versions not stated): gnomAD exomes 0.00047; ExAC 0.00055; 1000 Genomes Project 0.00160; gnomAD 0.00161 and 0.00176; 1000 Genomes Project 30x 0.00187; TOPMed 0.00199; ESP Exome Variant Server 0.00208.

Submissions (5):

Labcorp Genetics (formerly Invitae), Labcorp
Classification: Benign. Last evaluated: 2025-12-24. Review status: criteria provided, single submitter. Criteria: Invitae Variant Classification Sherloc (09022015). Collection method: clinical testing. Allele origin: germline.

Mayo Clinic Laboratories, Mayo Clinic
Classification: Likely benign. Last evaluated: 2025-09-09. Review status: criteria provided, single submitter. Criteria: ACMG Guidelines, 2015. Collection method: clinical testing. Allele origin: germline. Observed: 6 variant alleles.
Comment: BP4, BP7

ARUP Laboratories, Molecular Genetics and Genomics, ARUP Laboratories
Classification: Likely benign. Last evaluated: 2024-05-31. Review status: criteria provided, single submitter. Criteria: ARUP Molecular Germline Variant Investigation Process 2024. Collection method: clinical testing. Allele origin: germline.

Breakthrough Genomics
Classification: Uncertain significance. Review status: criteria provided, single submitter. Criteria: ACMG Guidelines, 2015. Collection method: not provided. Allele origin: germline. Inheritance: Autosomal dominant inheritance. Affected: yes.

PreventionGenetics, part of Exact Sciences
Classification: Benign for SPTB-related condition. Last evaluated: 2019-05-23. Review status: no assertion criteria provided. Collection method: clinical testing. Allele origin: germline. Not counted in ClinVar's aggregate classification.
Comment: This variant is classified as benign based on ACMG/AMP sequence variant interpretation guidelines (Richards et al. 2015 PMID: 25741868, with internal and published modifications).

NM_001355436.2(SPTB):c.5463C>T (p.Pro1821=)

Gene: SPTB (spectrin beta, erythrocytic; minus strand). Cytogenetic location: 14q23.3.
Variant type: single nucleotide variant.
Coding change: c.5463C>T on transcript NM_001355436.2 (MANE Select); coding-DNA position 5463, C replaced by T.
Protein change: p.Pro1821=; no amino-acid change (proline 1821 retained).
Molecular consequence: synonymous variant.
Genome position (GRCh38, 1-based): chr14:64,772,670, G>A on the plus strand (C>T on the coding strand, the complement: SPTB is on the minus strand). VCF-style: chr14-64772670-G-A. GRCh37 (hg19) VCF-style: chr14-65239388-G-A.
Other names: p.Pro1821=; c.5463C>T (NM_001024858.2); c.5463C>T, p.Pro1821= (NM_001024858.4, NM_001355437.2).
Identifiers: ClinVar variation 313711 (VCV000313711.14), dbSNP rs114513294, ClinGen allele CA7229961.